The following is an entry in ClinVar:

NM_001875.5(CPS1):c.1359+19T>C

Gene: CPS1 (carbamoyl-phosphate synthase 1; plus strand). Cytogenetic location: 2q34.
Variant type: single nucleotide variant.
Coding change: c.1359+19T>C on transcript NM_001875.5 (MANE Select); 19 bases into the intron after coding-DNA position 1359, T replaced by C.
Molecular consequence: intron variant.
Genome position (GRCh38, 1-based): chr2:210,595,601, T>C. VCF-style: chr2-210595601-T-C. GRCh37 (hg19) VCF-style: chr2-211460325-T-C.
Other names: c.1359+19T>C (LRG_336t1, NM_001369257.1, NM_001122633.3); c.1392+19T>C (NM_001369256.1).
Identifiers: ClinVar variation 507087 (VCV000507087.6), dbSNP rs759580115, ClinGen allele CA2086338.

ClinVar aggregate classification (germline): Likely benign. Review status: criteria provided, multiple submitters, no conflicts (2 of 4 stars). 3 submissions from 3 submitters: Likely benign (3). Last evaluated 2026-01-20.

Conditions:
Congenital hyperammonemia, type I. Also called: Carbamoyl phosphate synthetase I deficiency disease; CPS I DEFICIENCY; Carbamoyl-phosphate synthase I deficiency; Carbamoyl phosphate synthetase 1 deficiency; Hyperammonemia due to carbamoyl phosphate synthetase 1 deficiency; CPS 1 deficiency. Identifiers: Orphanet 147, MedGen C4082171, MONDO:0009376, OMIM 237300.

Allele frequency attached by ClinVar (database versions not stated): gnomAD exomes 0.00001 and 0.00002; ExAC 0.00002; gnomAD 0.00003 and 0.00004; TOPMed 0.00003.
gnomAD v4.1: 25 of 1,511,176 alleles (0.0017%); highest among the groups gnomAD compares: African/African-American, 0.0014%; no homozygotes.

Submissions (3):

Labcorp Genetics (formerly Invitae), Labcorp
Classification: Likely benign for Congenital hyperammonemia, type I. Last evaluated: 2026-01-20. Review status: criteria provided, single submitter. Criteria: Invitae Variant Classification Sherloc (09022015). Collection method: clinical testing. Allele origin: germline.

Blueprint Genetics
Classification: Likely benign. Last evaluated: 2024-05-10. Review status: criteria provided, single submitter. Criteria: ACMG Guidelines, 2015. Collection method: clinical testing. Allele origin: germline.

GeneDx
Classification: Likely benign. Last evaluated: 2017-02-09. Review status: criteria provided, single submitter. Criteria: GeneDx Variant Classification (06012015). Collection method: clinical testing. Allele origin: germline. Affected: yes.
Comment: This variant is considered likely benign or benign based on one or more of the following criteria: it is a conservative change, it occurs at a poorly conserved position in the protein, it is predicted to be benign by multiple in silico algorithms, and/or has population frequency not consistent with disease.